The following is an entry in ClinVar:

NM_001378120.1(MBD5):c.2944C>G (p.Gln982Glu)

Gene: MBD5 (methyl-CpG binding domain protein 5; plus strand). Cytogenetic location: 2q23.1.
Variant type: single nucleotide variant.
Coding change: c.2944C>G on transcript NM_001378120.1 (MANE Select); coding-DNA position 2944, C replaced by G.
Protein change: p.Gln982Glu; replaces glutamine 982 with glutamic acid.
Molecular consequence: missense variant. On other transcripts: intron variant (6).
Genome position (GRCh38, 1-based): chr2:148,483,535, C>G. VCF-style: chr2-148483535-C-G. GRCh37 (hg19) VCF-style: chr2-149241104-C-G.
Other names: c.2944C>G, p.Gln982Glu (NM_001438854.1, NM_001438856.1, NM_001438857.1 and 1 more transcripts); c.2845+99C>G (NM_018328.5, NM_001438862.1, NM_001438860.1 and 3 more transcripts); short protein forms Q982E.
Identifiers: ClinVar variation 4822837 (VCV004822837.4).

ClinVar aggregate classification (germline): Uncertain significance (1 of 4 stars; one submission).

gnomAD v4.1: 9 of 1,598,826 alleles (0.00056%); highest among the groups gnomAD compares: South Asian, 0.01%; no homozygotes.

Submission:

CeGaT Center for Human Genetics Tuebingen
Classification: Uncertain significance. Last evaluated: 2026-01-01. Review status: criteria provided, single submitter. Criteria: CeGaT Center For Human Genetics Tuebingen Variant Classification Criteria Version 2. Collection method: clinical testing. Allele origin: germline. Affected: yes. Observed: 1 variant allele.
Comment: MBD5: PM2:Supporting, BP4